The following is an entry in ClinVar:

ClinVar aggregate classification (germline): Uncertain significance. Review status: criteria provided, multiple submitters, no conflicts (2 of 4 stars). 2 submissions from 2 submitters: Uncertain significance (2). Last evaluated 2023-07-27.

Conditions:
Severe combined immunodeficiency due to DNA-PKcs deficiency. Also called: IMMUNODEFICIENCY 26 WITH NEUROLOGIC ABNORMALITIES; Immunodeficiency 26 with or without neurologic abnormalities. Identifiers: Orphanet 317425, MedGen C4014833, MONDO:0014423, OMIM 615966.

Allele frequency attached by ClinVar (database versions not stated): TOPMed below 0.00001.
gnomAD v4.1: 18 of 1,597,694 alleles (0.0011%); highest among the groups gnomAD compares: Non-Finnish European, 0.0015%; no homozygotes.

Submissions (2):

Women's Health and Genetics/Laboratory Corporation of America, LabCorp
Classification: Uncertain significance. Last evaluated: 2023-07-27. Review status: criteria provided, single submitter. Criteria: LabCorp Variant Classification Summary - May 2015. Collection method: clinical testing. Allele origin: germline.
Comment: Variant summary: PRKDC c.5178G>C (p.Arg1726Ser), also referred to as c.5181G>C (p.Arg1727Ser), results in a non-conservative amino acid change located in the DNA-dependent protein kinase catalytic subunit, CC1/2 domain (IPR046803) of the encoded protein sequence. Three of five in-silico tools predict a benign effect of the variant on protein function. The variant allele was found at a frequency of 4.5e-06 in 223790 control chromosomes (gnomAD), however poor quality metrics indicate that this should be interpreted with caution. The available data on variant occurrences in the general population are insufficient to allow any conclusion about variant significance. To our knowledge, no occurrence of c.5178G>C in individuals affected with Severe Combined Immunodeficiency and no experimental evidence demonstrating its impact on protein function have been reported. One submitter has provided a clinical-significance assessment for this variant to ClinVar after 2014 and has classified the variant as uncertain significance. Based on the evidence outlined above, the variant was classified as uncertain significance.

Labcorp Genetics (formerly Invitae), Labcorp
Classification: Uncertain significance for Severe combined immunodeficiency due to DNA-PKcs deficiency. Last evaluated: 2021-12-03. Review status: criteria provided, single submitter. Criteria: Invitae Variant Classification Sherloc (09022015). Collection method: clinical testing. Allele origin: germline.
Comment: In summary, the available evidence is currently insufficient to determine the role of this variant in disease. Therefore, it has been classified as a Variant of Uncertain Significance. Experimental studies and prediction algorithms are not available or were not evaluated, and the functional significance of this variant is currently unknown. This variant has not been reported in the literature in individuals affected with PRKDC-related conditions. The frequency data for this variant in the population databases is considered unreliable, as metrics indicate poor data quality at this position in the gnomAD database. This sequence change replaces arginine with serine at codon 1727 of the PRKDC protein (p.Arg1727Ser). The arginine residue is weakly conserved and there is a moderate physicochemical difference between arginine and serine.

NM_006904.7(PRKDC):c.5181G>C (p.Arg1727Ser)

Gene: PRKDC (protein kinase, DNA-activated, catalytic subunit; minus strand). Cytogenetic location: 8q11.21.
Variant type: single nucleotide variant.
Coding change: c.5181G>C on transcript NM_006904.7 (MANE Select); coding-DNA position 5181, G replaced by C.
Protein change: p.Arg1727Ser; replaces arginine 1727 with serine.
Molecular consequence: missense variant.
Genome position (GRCh38, 1-based): chr8:47,879,545, C>G on the plus strand (G>C on the coding strand, the complement: PRKDC is on the minus strand). VCF-style: chr8-47879545-C-G. GRCh37 (hg19) VCF-style: chr8-48792106-C-G.
Other names: c.5181G>C (NM_006904.6); c.5181G>C, p.Arg1727Ser (NM_001081640.2); short protein forms R1727S.
Identifiers: ClinVar variation 1377311 (VCV001377311.5), dbSNP rs1363640503, ClinGen allele CA371138455.